The following is an entry in ClinVar:

ClinVar aggregate classification (germline): Pathogenic (1 of 4 stars; one submission).

Conditions:
Inborn genetic diseases. Identifiers: MedGen C0950123, MeSH D030342.

Submission:

Ambry Genetics
Classification: Pathogenic for Inborn genetic diseases. Last evaluated: 2025-03-19. Review status: criteria provided, single submitter. Criteria: Ambry Variant Classification Scheme 2023. Collection method: clinical testing. Allele origin: germline.
Comment: The c.3749_3750delAG (p.E1250Vfs*25) alteration, located in exon 15 (coding exon 15) of the KDM3B gene, consists of a deletion of 2 nucleotides from position 3749 to 3750, causing a translational frameshift with a predicted alternate stop codon after 25 amino acids. This alteration is expected to result in loss of function by premature protein truncation or nonsense-mediated mRNA decay. This variant was not reported in population-based cohorts in the Genome Aggregation Database (gnomAD). Based on the available evidence, this alteration is classified as pathogenic.

NM_016604.4(KDM3B):c.3749_3750del (p.Glu1250fs)

Gene: KDM3B (lysine demethylase 3B; plus strand). Cytogenetic location: 5q31.2.
Variant type: Microsatellite.
Coding change: c.3749_3750del on transcript NM_016604.4 (MANE Select); coding-DNA positions 3749 to 3750, 2 bases deleted (AG; older notation c.3749_3750delAG).
Protein change: p.Glu1250fs; shifts the reading frame from glutamic acid 1250.
Molecular consequence: frameshift variant.
Genome position (GRCh38, 1-based): chr5:138,420,739-138,420,740, AG deleted; deleting any 2 consecutive bases within chr5:138,420,737-138,420,740 gives the same sequence; the c. name uses the placement nearest the transcript's 3' end. VCF-style (leftmost placement, unchanged base first): chr5-138420736-AAG-A. GRCh37 (hg19) VCF-style: chr5-137756425-AAG-A.
Other names: short protein forms E1250fs.
Identifiers: ClinVar variation 4042250 (VCV004042250.1).